The following is an entry in ClinVar:

NM_001122630.2(CDKN1C):c.607C>A (p.Pro203Thr)

Gene: CDKN1C (cyclin dependent kinase inhibitor 1C; minus strand). Cytogenetic location: 11p15.4.
Variant type: single nucleotide variant.
Coding change: c.607C>A on transcript NM_001122630.2 (MANE Select); coding-DNA position 607, C replaced by A.
Protein change: p.Pro203Thr; replaces proline 203 with threonine.
Molecular consequence: missense variant. On other transcripts: intron variant (1).
Genome position (GRCh38, 1-based): chr11:2,884,850, G>T on the plus strand (C>A on the coding strand, the complement: CDKN1C is on the minus strand). VCF-style: chr11-2884850-G-T. GRCh37 (hg19) VCF-style: chr11-2906080-G-T.
Other names: c.640C>A, p.Pro214Thr (NM_000076.2, NM_001362474.2); c.607C>A, p.Pro203Thr (NM_001122631.2); c.255+352C>A (NM_001362475.2); short protein forms P203T, P214T.
Identifiers: ClinVar variation 1020296 (VCV001020296.8), dbSNP rs562237921, ClinGen allele CA216367238.
Genomic context (GRCh38, chr11:2,884,850, plus strand): 5'-CGCGCTGCCCCTGGTTCGCGCCCTGCTCGGCGCTCTCTTGAGGCGCCGCGTCCGGGGCCG[G>T]GGCCGGGGCGGGGGCCGGGGCCGGGGCCGGGGCCGGGGCTGGGGCCGGGGCCGCGACTGG-3'
Protein context (NP_001116102.1, residues 193-213): PAPAPAPAPA[Pro203Thr]APDAAPQESA

ClinVar aggregate classification (germline): Uncertain significance (1 of 4 stars; one submission).

Conditions:
Beckwith-Wiedemann syndrome (BWS). Also called: EMG SYNDROME; Exomphalos macroglossia gigantism syndrome. Identifiers: Orphanet 116, MedGen C0004903, MONDO:0007534, OMIM 130650.

Allele frequency attached by ClinVar (database versions not stated): gnomAD 0.00001; 1000 Genomes Project 0.00040.
gnomAD v4.1: 4 of 1,136,614 alleles (0.00035%); highest among the groups gnomAD compares: Admixed American, 0.0049%; no homozygotes.

Submission:

Labcorp Genetics (formerly Invitae), Labcorp
Classification: Uncertain significance for Beckwith-Wiedemann syndrome. Last evaluated: 2022-10-17. Review status: criteria provided, single submitter. Criteria: Invitae Variant Classification Sherloc (09022015). Collection method: clinical testing. Allele origin: germline.
Comment: This sequence change replaces proline, which is neutral and non-polar, with threonine, which is neutral and polar, at codon 214 of the CDKN1C protein (p.Pro214Thr). This variant is not present in population databases (gnomAD no frequency). In summary, the available evidence is currently insufficient to determine the role of this variant in disease. Therefore, it has been classified as a Variant of Uncertain Significance. Advanced modeling of protein sequence and biophysical properties (such as structural, functional, and spatial information, amino acid conservation, physicochemical variation, residue mobility, and thermodynamic stability) performed at Invitae indicates that this missense variant is not expected to disrupt CDKN1C protein function. ClinVar contains an entry for this variant (Variation ID: 1020296). This variant has not been reported in the literature in individuals affected with CDKN1C-related conditions.